The following is an entry in ClinVar:

ClinVar aggregate classification (germline): Pathogenic. Review status: reviewed by expert panel (3 of 4 stars). 14 submissions from 14 submitters: Pathogenic (1). 13 of the submissions do not count toward it. Last evaluated 2021-05-15.

Conditions:
PAH-related disorder. Also called: PAH-related condition.
Polymicrogyria, perisylvian, with cerebellar hypoplasia and arthrogryposis (NEDSPLB). Identifiers: MedGen C4225295, MONDO:0014679, OMIM 616531.
Phenylketonuria (PKU). Also called: FOLLING DISEASE; Phenylketonurias; OLIGOPHRENIA PHENYLPYRUVICA; Phenylketonuria (PKU). Identifiers: Orphanet 716, MedGen C0031485, MONDO:0009861, OMIM 261600. Disease mechanism: loss of function.

Allele frequency attached by ClinVar (database versions not stated): gnomAD exomes 0.00002 and 0.00007; TOPMed 0.00002; gnomAD 0.00003; ESP Exome Variant Server 0.00008.
gnomAD v4.1: 103 of 1,613,682 alleles (0.0064%); highest among the groups gnomAD compares: Non-Finnish European, 0.0085%; no homozygotes.

Submissions 1 to 10 of 14:

ClinGen PAH Variant Curation Expert Panel
Classification: Pathogenic for Phenylketonuria. Last evaluated: 2021-05-15. Review status: reviewed by expert panel. Criteria: ClinGen PAH ACMG Specifications v1. Collection method: curation. Allele origin: germline. Inheritance: Autosomal recessive inheritance.
Comment: The c.1157A>G (p.Tyr386Cys) variant in PAH has been reported in multiple probands with PKU (BH4 deficiency excluded) (PMID: 16198137; PP4_Moderate). This variant has been detected with c.1315+1G>A, R252W, L311P, R261Q, I65V, Q178G, R158Q (all reported as Pathogenic in ClinVar, 4.0 points total) (PMIDs:24368688, 24941924, 22841515, 16198137, 26210745, 23357515, 18493213; PM3_very-strong). This variant is absent from population databases (PM2) and is predicted deleterious by SIFT, PolyPhen2, MutationTaster, and REVEL = 0.975 (PP3). In summary, this variant meets criteria to be classified as pathogenic for PAH. PAH-specific ACMG/AMP criteria applied: PM3_very-strong, PM2, PP4_Moderate, PP3.

Myriad Genetics, Inc.
Classification: Pathogenic for Phenylketonuria. Last evaluated: 2026-05-07. Review status: criteria provided, single submitter. Criteria: Myriad Autosomal Dominant, Autosomal Recessive and X-Linked Classification Criteria (2023). Collection method: clinical testing. Allele origin: unknown. Not counted in ClinVar's aggregate classification.
Comment: NM_000277.1(PAH):c.1157A>G(Y386C) is a missense variant classified as pathogenic in the context of phenylalanine hydroxylase deficiency. Y386C has been observed in cases with relevant disease (PMID: 16765994, 23357515, 22841515, 32668217). Relevant functional assessments of this variant are not available in the literature. Y386C has been observed in referenced population frequency databases. In summary, NM_000277.1(PAH):c.1157A>G(Y386C) is a missense variant that has been observed more frequently in cases with the relevant disease than in healthy populations. Please note: this variant was assessed in the context of healthy population screening.

Labcorp Genetics (formerly Invitae), Labcorp
Classification: Pathogenic for Phenylketonuria. Last evaluated: 2025-11-18. Review status: criteria provided, single submitter. Criteria: Invitae Variant Classification Sherloc (09022015). Collection method: clinical testing. Allele origin: germline. Not counted in ClinVar's aggregate classification.
Comment: This sequence change replaces tyrosine, which is neutral and polar, with cysteine, which is neutral and slightly polar, at codon 386 of the PAH protein (p.Tyr386Cys). This variant is present in population databases (rs62516141, gnomAD 0.004%). This missense change has been observed in individual(s) with phenylketonuria or hyperphenylalaninemia (PMID: 16198137, 16765994, 22841515, 23430918, 24350308, 24368688). ClinVar contains an entry for this variant (Variation ID: 102538). Invitae Evidence Modeling of protein sequence and biophysical properties (such as structural, functional, and spatial information, amino acid conservation, physicochemical variation, residue mobility, and thermodynamic stability) indicates that this missense variant is expected to disrupt PAH protein function with a positive predictive value of 80%. This variant disrupts the p.Tyr386 amino acid residue in PAH. Other variant(s) that disrupt this residue have been observed in individuals with PAH-related conditions (PMID: 23430918), which suggests that this may be a clinically significant amino acid residue. For these reasons, this variant has been classified as Pathogenic.

CeGaT Center for Human Genetics Tuebingen
Classification: Pathogenic. Last evaluated: 2025-11-01. Review status: criteria provided, single submitter. Criteria: CeGaT Center For Human Genetics Tuebingen Variant Classification Criteria Version 2. Collection method: clinical testing. Allele origin: germline. Affected: yes. Observed: 1 variant allele. Not counted in ClinVar's aggregate classification.
Comment: PAH: PM3:Very Strong, PM2, PP4:Moderate

GeneDx
Classification: Pathogenic. Last evaluated: 2025-06-17. Review status: criteria provided, single submitter. Criteria: GeneDx Variant Classification Process June 2021. Collection method: clinical testing. Allele origin: germline. Affected: yes. Not counted in ClinVar's aggregate classification.
Comment: Reported previously in association with hyperphenylalaninemia and seen in patients with classic PKU in the presence of another pathogenic variant (PMID: 8533759, 26210745, 24941924); Not observed at significant frequency in large population cohorts (gnomAD); In silico analysis supports that this missense variant has a deleterious effect on protein structure/function; This variant is associated with the following publications: (PMID: 24941924, 24350308, 16765994, 22841515, 17924342, 29499199, 25087612, 11385716, 23357515, 11696894, 8533759, 24368688, 23430918, 12655553, 23074961, 10394930, 9634518, 18493213, 16198137, 32668217, 35405047, 36646061, 36537053, 21445337, 34828281, 26210745)

Natera, Inc.
Classification: Pathogenic for Phenylketonuria. Last evaluated: 2024-11-12. Review status: criteria provided, single submitter. Criteria: Natera Variant Classification Schema (03/2026). Collection method: clinical testing. Allele origin: germline. Not counted in ClinVar's aggregate classification.
Comment: The c.1157A>G variant in PAH is a missense variant predicted to cause substitution of tyrosine to cysteine at amino acid 386. This variant is rare in the general population with a frequency below the threshold expected for the associated phenotype(s). This variant has been observed in one or more individuals affected with the associated recessive disease, as either homozygous or compound heterozygous with a second variant (PMID: 16765994, 26542770, 24368688). Computational prediction algorithms indicate this variant is likely to affect gene or protein function. Given the available evidence, this variant is classified as Pathogenic.

Quest Diagnostics Nichols Institute San Juan Capistrano
Classification: Pathogenic. Last evaluated: 2024-05-10. Review status: criteria provided, single submitter. Criteria: Quest Diagnostics criteria. Collection method: clinical testing. Allele origin: unknown. Not counted in ClinVar's aggregate classification.
Comment: The PAH c.1157A>G (p.Tyr386Cys) variant has been reported in the published literature in multiple individuals affected with phenylketonuria (PKU) (PMID: 8533759 (1995), 10394930 (1999), 11385716 (2001), 12655553 (2003), 16198137 (2005), 16765994 (2006), 18493213 (2008), 22841515 (2012), 23357515 (2013), 23430918 (2012), 24350308 (2013), 24368688 (2014), 24941924 (2015), 26210745 (2015), 34828281 (2021), 36537053 (2022)). The frequency of this variant in the general population, 0.000044 (5/113648 chromosomes (Genome Aggregation Database)), is uninformative in the assessment of its pathogenicity. Analysis of this variant using bioinformatics tools for the prediction of the effect of amino acid changes on protein structure and function yielded predictions that this variant is damaging. Based on the available information, this variant is classified as pathogenic.

Mayo Clinic Laboratories, Mayo Clinic
Classification: Pathogenic. Last evaluated: 2023-11-03. Review status: criteria provided, single submitter. Criteria: ACMG Guidelines, 2015. Collection method: clinical testing. Allele origin: germline. Observed: 1 variant allele. Not counted in ClinVar's aggregate classification.
Comment: PP3, PM2_moderate, PM3_very_strong, PS4_moderate

Blueprint Genetics
Classification: Pathogenic for PAH-related disorders. Last evaluated: 2023-10-03. Review status: criteria provided, single submitter. Criteria: ACMG Guidelines, 2015. Collection method: clinical testing. Allele origin: germline. Affected: yes. Observed: 2 variant alleles. Not counted in ClinVar's aggregate classification.

Women's Health and Genetics/Laboratory Corporation of America, LabCorp
Classification: Pathogenic for Phenylketonuria. Last evaluated: 2018-10-26. Review status: criteria provided, single submitter. Criteria: LabCorp Variant Classification Summary - May 2015. Collection method: clinical testing. Allele origin: germline. Not counted in ClinVar's aggregate classification.
Comment: Variant summary: PAH c.1157A>G (p.Tyr386Cys) results in a non-conservative amino acid change located in the Aromatic amino acid hydroxylase, C-terminal domain (IPR019774) of the encoded protein sequence. Five of five in-silico tools predict a damaging effect of the variant on protein function. The variant allele was found at a frequency of 2e-05 in 246044 control chromosomes (gnomAD). c.1157A>G has been reported in the literature in multiple individuals affected with Phenylalanine Hydroxylase Deficiency (Phenylketonuria)(Bayat_2016, Trunzo_2015, Ho_2014). These data indicate that the variant is very likely to be associated with disease. To our knowledge, no experimental evidence demonstrating an impact on protein function has been reported. Two ClinVar submissions from clinical diagnostic laboratories (evaluation after 2014) cite the variant as pathogenic. Based on the evidence outlined above, the variant was classified as pathogenic.

NM_000277.3(PAH):c.1157A>G (p.Tyr386Cys)

Gene: PAH (phenylalanine hydroxylase; minus strand). Cytogenetic location: 12q23.2.
Variant type: single nucleotide variant.
Coding change: c.1157A>G on transcript NM_000277.3 (MANE Select); coding-DNA position 1157, A replaced by G.
Protein change: p.Tyr386Cys; replaces tyrosine 386 with cysteine.
Molecular consequence: missense variant.
Genome position (GRCh38, 1-based): chr12:102,843,688, T>C on the plus strand (A>G on the coding strand, the complement: PAH is on the minus strand). VCF-style: chr12-102843688-T-C. GRCh37 (hg19) VCF-style: chr12-103237466-T-C.
Other names: p.Y386C:TAT>TGT; NM_000277.3(PAH):c.1157A>G; p.Y386C; c.1157A>G, p.Tyr386Cys (NM_001354304.2); c.1157A>G (NM_000277.2); short protein forms Y386C.
Identifiers: ClinVar variation 102538 (VCV000102538.38), dbSNP rs62516141, ClinGen allele CA274152.
Genomic context (GRCh38, chr12:102,843,688, plus strand): 5'-CCTTTGTCACCACCTCACCTTACTTTCTCCTTGGCATCATTAAAACTCTCTGCCACGTAA[T>C]AGAGGGGCTGGAACTCCGTGACAGTGTAATTTTGGATGGCTGTCTTCTCCAGCTCCAGGG-3'
Protein context (NP_000268.1, residues 376-396): NYTVTEFQPL[Tyr386Cys]YVAESFNDAK